The following is an entry in ClinVar:

ClinVar aggregate classification (germline): Benign (0 of 4 stars; one submission).

Conditions:
ATAD5-related disorder. Also called: ATAD5-related condition.

Allele frequency attached by ClinVar (database versions not stated): gnomAD exomes 0.01127; ExAC 0.02458; gnomAD 0.05747; 1000 Genomes Project 0.06130; ESP Exome Variant Server 0.06285; TOPMed 0.06308; 1000 Genomes Project 30x 0.06402.
gnomAD v4.1: 25,474 of 1,611,588 alleles (1.6%); highest among the groups gnomAD compares: African/African-American, 18%; 1,422 homozygotes.

Submission:

PreventionGenetics, part of Exact Sciences
Classification: Benign for ATAD5-related condition. Last evaluated: 2019-11-14. Review status: no assertion criteria provided. Collection method: clinical testing. Allele origin: germline.
Comment: This variant is classified as benign based on ACMG/AMP sequence variant interpretation guidelines (Richards et al. 2015 PMID: 25741868, with internal and published modifications).

NM_024857.5(ATAD5):c.3970T>C (p.Phe1324Leu)

Gene: ATAD5 (ATPase family AAA domain containing 5; plus strand). Cytogenetic location: 17q11.2.
Variant type: single nucleotide variant.
Coding change: c.3970T>C on transcript NM_024857.5 (MANE Select); coding-DNA position 3970, T replaced by C.
Protein change: p.Phe1324Leu; replaces phenylalanine 1324 with leucine.
Molecular consequence: missense variant.
Genome position (GRCh38, 1-based): chr17:30,878,054, T>C. VCF-style: chr17-30878054-T-C. GRCh37 (hg19) VCF-style: chr17-29205072-T-C.
Other names: short protein forms F1324L.
Identifiers: ClinVar variation 3037124 (VCV003037124.2), dbSNP rs61745366, ClinGen allele CA8484179.